The following is an entry in ClinVar:

ClinVar aggregate classification (germline): Likely benign (1 of 4 stars; one submission).

Conditions:
Familial isolated arrhythmogenic right ventricular dysplasia. Identifiers: Orphanet 217656, MedGen C4274968, MONDO:0016342.

Allele frequency attached by ClinVar (database versions not stated): gnomAD exomes below 0.00001; ExAC 0.00001.
gnomAD v4.1: 1 of 1,612,890 alleles (0.000062%); highest among the groups gnomAD compares: Non-Finnish European, 0.000085%; no homozygotes.

Submission:

All of Us Research Program, National Institutes of Health
Classification: Likely benign for Familial isolated arrhythmogenic right ventricular dysplasia. Last evaluated: 2023-06-26. Review status: criteria provided, single submitter. Criteria: ACMG Guidelines, 2015. Collection method: clinical testing. Allele origin: germline. Inheritance: Autosomal dominant inheritance. Observed: 1 variant allele, 1 heterozygote.
Comment: This study involves interpretation of variants in research participants for the purpose of population health screening. Participant phenotype was not available at the time of variant classification. Additional details can be found in publication PMID: 35346344, PMCID: PMC8962531

NM_024422.6(DSC2):c.2121C>A (p.Leu707=)

Gene: DSC2 (desmocollin 2; minus strand). Cytogenetic location: 18q12.1.
Variant type: single nucleotide variant.
Coding change: c.2121C>A on transcript NM_024422.6 (MANE Select); coding-DNA position 2121, C replaced by A.
Protein change: p.Leu707=; no amino-acid change (leucine 707 retained).
Molecular consequence: synonymous variant.
Genome position (GRCh38, 1-based): chr18:31,071,609, G>T on the plus strand (C>A on the coding strand, the complement: DSC2 is on the minus strand). VCF-style: chr18-31071609-G-T. GRCh37 (hg19) VCF-style: chr18-28651575-G-T.
Other names: c.1692C>A, p.Leu564= (NM_001406506.1, NM_001406507.1); c.2121C>A, p.Leu707= (NM_004949.5).
Identifiers: ClinVar variation 3072045 (VCV003072045.1), dbSNP rs779243756, ClinGen allele CA034646.